The following is an entry in ClinVar:

ClinVar aggregate classification (germline): Likely benign. Review status: criteria provided, multiple submitters, no conflicts (2 of 4 stars). 2 submissions from 2 submitters: Likely benign (2). Last evaluated 2024-10-27.

Conditions:
TTC21B-related disorder. Also called: TTC21B-related condition; TTC21B-related disorders.
Jeune thoracic dystrophy. Also called: Jeune syndrome; Infantile thoracic dystrophy; Thoracic pelvic phalangeal dystrophy; Jeune's syndrome; Chondroectodermal dysplasia-like syndrome; Short-rib thoracic dysplasia. Identifiers: Orphanet 474, MedGen C0265275, MONDO:0018770.
Nephronophthisis. Also called: Juvenile Nephronophthisis. Identifiers: Orphanet 655, MedGen C0687120, MONDO:0019005, HP:0000090.

Allele frequency attached by ClinVar (database versions not stated): ExAC 0.00001; ESP Exome Variant Server 0.00008.
gnomAD v4.1: 32 of 1,606,748 alleles (0.002%); highest among the groups gnomAD compares: Non-Finnish European, 0.0026%; no homozygotes.

Submissions (2):

PreventionGenetics, part of Exact Sciences
Classification: Likely benign for TTC21B-related condition. Last evaluated: 2024-10-27. Review status: criteria provided, single submitter. Criteria: ACMG Guidelines, 2015. Collection method: clinical testing. Allele origin: germline.
Comment: This variant is classified as likely benign based on ACMG/AMP sequence variant interpretation guidelines (Richards et al. 2015 PMID: 25741868, with internal and published modifications).

Labcorp Genetics (formerly Invitae), Labcorp
Classification: Likely benign for Jeune thoracic dystrophy; Nephronophthisis. Last evaluated: 2024-01-02. Review status: criteria provided, single submitter. Criteria: Invitae Variant Classification Sherloc (09022015). Collection method: clinical testing. Allele origin: germline.

NM_024753.5(TTC21B):c.3684+8A>G

Gene: TTC21B (tetratricopeptide repeat domain 21B; minus strand). Cytogenetic location: 2q24.3.
Variant type: single nucleotide variant.
Coding change: c.3684+8A>G on transcript NM_024753.5 (MANE Select); 8 bases into the intron after coding-DNA position 3684, A replaced by G.
Molecular consequence: intron variant.
Genome position (GRCh38, 1-based): chr2:165,883,786, T>C on the plus strand (A>G on the coding strand, the complement: TTC21B is on the minus strand). VCF-style: chr2-165883786-T-C. GRCh37 (hg19) VCF-style: chr2-166740296-T-C.
Other names: c.3684+8A>G (NM_024753.4).
Identifiers: ClinVar variation 1583991 (VCV001583991.9), dbSNP rs373955678, ClinGen allele CA1941449.